The following is an entry in ClinVar:

NM_024652.6(LRRK1):c.583C>T (p.Arg195Cys)

Gene: LRRK1 (leucine rich repeat kinase 1; plus strand). Cytogenetic location: 15q26.3.
Variant type: single nucleotide variant.
Coding change: c.583C>T on transcript NM_024652.6 (MANE Select); coding-DNA position 583, C replaced by T.
Protein change: p.Arg195Cys; replaces arginine 195 with cysteine.
Molecular consequence: missense variant.
Genome position (GRCh38, 1-based): chr15:100,988,783, C>T. VCF-style: chr15-100988783-C-T. GRCh37 (hg19) VCF-style: chr15-101528988-C-T.
Other names: short protein forms R195C.
Identifiers: ClinVar variation 1923425 (VCV001923425.3), dbSNP rs201889926, ClinGen allele CA7760638.

ClinVar aggregate classification (germline): Uncertain significance (1 of 4 stars; one submission).

Allele frequency attached by ClinVar (database versions not stated): gnomAD 0.00004; ExAC 0.00005; TOPMed 0.00005; ESP Exome Variant Server 0.00008; 1000 Genomes Project 30x 0.00016; 1000 Genomes Project 0.00020.
gnomAD v4.1: 67 of 1,609,518 alleles (0.0042%); highest among the groups gnomAD compares: Middle Eastern, 0.017%; no homozygotes.

Submission:

Labcorp Genetics (formerly Invitae), Labcorp
Classification: Uncertain significance. Last evaluated: 2025-03-17. Review status: criteria provided, single submitter. Criteria: Invitae Variant Classification Sherloc (09022015). Collection method: clinical testing. Allele origin: germline.
Comment: This sequence change replaces arginine, which is basic and polar, with cysteine, which is neutral and slightly polar, at codon 195 of the LRRK1 protein (p.Arg195Cys). This variant is present in population databases (rs201889926, gnomAD 0.007%). This variant has not been reported in the literature in individuals affected with LRRK1-related conditions. ClinVar contains an entry for this variant (Variation ID: 1923425). An algorithm developed to predict the effect of missense changes on protein structure and function (PolyPhen-2) suggests that this variant is likely to be disruptive. In summary, the available evidence is currently insufficient to determine the role of this variant in disease. Therefore, it has been classified as a Variant of Uncertain Significance.